The following is an entry in ClinVar:

NM_004247.4(EFTUD2):c.2007_2008del (p.Ser670fs)

Gene: EFTUD2 (elongation factor Tu GTP binding domain containing 2; minus strand). Cytogenetic location: 17q21.31.
Variant type: Deletion.
Coding change: c.2007_2008del on transcript NM_004247.4 (MANE Select); coding-DNA positions 2007 to 2008, 2 bases deleted (AT; older notation c.2007_2008delAT).
Protein change: p.Ser670fs; shifts the reading frame from serine 670.
Molecular consequence: frameshift variant.
Genome position (GRCh38, 1-based): chr17:44,857,112-44,857,113, AT deleted on the plus strand (AT on the coding strand, the reverse complement: EFTUD2 is on the minus strand). VCF-style (leftmost placement, unchanged base first): chr17-44857111-GAT-G. GRCh37 (hg19) VCF-style: chr17-42934479-GAT-G.
Other names: c.1902_1903del, p.Ser635fs (NM_001142605.2); c.2007_2008del, p.Ser670fs (NM_001258353.2); c.1977_1978del, p.Ser660fs (NM_001258354.2); short protein forms S635fs, S660fs, S670fs.
Identifiers: ClinVar variation 3901986 (VCV003901986.1).

ClinVar aggregate classification (germline): Likely pathogenic (1 of 4 stars; one submission).

Conditions:
Mandibulofacial dysostosis-microcephaly syndrome (MFDGA). Also called: Growth and mental retardation, mandibulofacial dysostosis, microcephaly, and cleft palate; Mandibulofacial dysostosis, Guion-Almeida type. Identifiers: Orphanet 79113, MedGen C1864652, MONDO:0012516, OMIM 610536.

Submission:

Laboratorio de Genetica e Diagnostico Molecular, Hospital Israelita Albert Einstein
Classification: Likely pathogenic for Mandibulofacial dysostosis-microcephaly syndrome. Last evaluated: 2023-02-24. Review status: criteria provided, single submitter. Criteria: ACMG Guidelines, 2015. Collection method: clinical testing. Allele origin: germline. Affected: yes.
Comment: ACMG classification criteria: PVS1 very strong, PM2 moderate